The following is an entry in ClinVar:

NM_032228.6(FAR1):c.908A>G (p.Tyr303Cys)

Gene: FAR1 (fatty acyl-CoA reductase 1; plus strand). Cytogenetic location: 11p15.3.
Variant type: single nucleotide variant.
Coding change: c.908A>G on transcript NM_032228.6 (MANE Select); coding-DNA position 908, A replaced by G.
Protein change: p.Tyr303Cys; replaces tyrosine 303 with cysteine.
Molecular consequence: missense variant.
Genome position (GRCh38, 1-based): chr11:13,712,986, A>G. VCF-style: chr11-13712986-A-G. GRCh37 (hg19) VCF-style: chr11-13734533-A-G.
Other names: short protein forms Y303C.
Identifiers: ClinVar variation 2768730 (VCV002768730.3), dbSNP rs1332196388, ClinGen allele CA379857989.
Genomic context (GRCh38, chr11:13,712,986, plus strand): 5'-CTCTTATTATGATTAATTGGTTTCATCTTTGTCTTTGCAGACCAAGAAACATCATGGTGT[A>G]TAATTGTACAACAGGCAGCACTAATCCTTTCCACTGGGGTGAAGTTGGTATGATTTTACC-3'
Protein context (NP_115604.1, residues 293-313): GVNRPRNIMV[Tyr303Cys]NCTTGSTNPF

ClinVar aggregate classification (germline): Uncertain significance (1 of 4 stars; one submission).

Allele frequency attached by ClinVar (database versions not stated): gnomAD exomes below 0.00001; TOPMed below 0.00001; gnomAD 0.00001.
gnomAD v4.1: 2 of 1,613,030 alleles (0.00012%); highest among the groups gnomAD compares: African/African-American, 0.0013%; no homozygotes.

Submission:

Labcorp Genetics (formerly Invitae), Labcorp
Classification: Uncertain significance. Last evaluated: 2023-10-15. Review status: criteria provided, single submitter. Criteria: Invitae Variant Classification Sherloc (09022015). Collection method: clinical testing. Allele origin: germline.
Comment: This sequence change replaces tyrosine, which is neutral and polar, with cysteine, which is neutral and slightly polar, at codon 303 of the FAR1 protein (p.Tyr303Cys). This variant is not present in population databases (gnomAD no frequency). This variant has not been reported in the literature in individuals affected with FAR1-related conditions. Advanced modeling of protein sequence and biophysical properties (such as structural, functional, and spatial information, amino acid conservation, physicochemical variation, residue mobility, and thermodynamic stability) performed at Invitae indicates that this missense variant is not expected to disrupt FAR1 protein function. In summary, the available evidence is currently insufficient to determine the role of this variant in disease. Therefore, it has been classified as a Variant of Uncertain Significance.